The following is an entry in ClinVar:

ClinVar aggregate classification (germline): Likely pathogenic. Review status: criteria provided, multiple submitters, no conflicts (2 of 4 stars). 2 submissions from 2 submitters: Likely pathogenic (2). Last evaluated 2026-08-26.

Conditions:
BBS10-related disorder. Also called: BBS10-related condition.

Submissions (2):

PreventionGenetics, part of Exact Sciences
Classification: Likely pathogenic for BBS10-related condition. Last evaluated: 2026-08-26. Review status: criteria provided, single submitter. Criteria: ACMG Guidelines, 2015. Collection method: clinical testing. Allele origin: germline.
Comment: The BBS10 c.791_794delTTCA variant is predicted to result in a frameshift and premature protein termination (p.Ile264Serfs*13). To our knowledge, this variant has not been reported in the literature or in a large population database (gnomAD), indicating this variant is rare. Frameshift variants in BBS10 are expected to be pathogenic. This variant is interpreted as likely pathogenic.

Blueprint Genetics
Classification: Likely pathogenic for BBS10-related disorders. Last evaluated: 2022-04-01. Review status: criteria provided, single submitter. Criteria: ACMG Guidelines, 2015. Collection method: clinical testing. Allele origin: germline. Affected: yes. Observed: 1 variant allele.

NM_024685.4(BBS10):c.791_794del (p.Ile264fs)

Gene: BBS10 (Bardet-Biedl syndrome 10; minus strand). Cytogenetic location: 12q21.2.
Variant type: Deletion.
Coding change: c.791_794del on transcript NM_024685.4 (MANE Select); coding-DNA positions 791 to 794, 4 bases deleted (TTCA; older notation c.791_794delTTCA).
Protein change: p.Ile264fs; shifts the reading frame from isoleucine 264.
Molecular consequence: frameshift variant.
Genome position (GRCh38, 1-based): chr12:76,347,191-76,347,194, TGAA deleted on the plus strand (TTCA on the coding strand, the reverse complement: BBS10 is on the minus strand); deleting any 4 consecutive bases within chr12:76,347,191-76,347,196 gives the same sequence; the c. name uses the placement nearest the transcript's 3' end. VCF-style (leftmost placement, unchanged base first): chr12-76347190-CTGAA-C. GRCh37 (hg19) VCF-style: chr12-76740970-CTGAA-C.
Other names: c.791_794delTTCA (NM_024685.3); short protein forms I264fs.
Identifiers: ClinVar variation 4917636 (VCV004917636.2).
Genomic context (GRCh38, chr12:76,347,190, plus strand): 5'-TGTCTGAAACTGTGCTTCTGAATTTAGAATAAACTCTGATCCAGAAGTGGAAAAAAGAGG[CTGAA>C]TGGTTTCTGTTACTATCACCATTCGCATGTCACCATCTGCTGGGCGGTACACAGAAAAAT-3'